The following is an entry in ClinVar:

ClinVar aggregate classification (germline): Likely benign (0 of 4 stars; one submission).

Conditions:
ADGRG4-related disorder. Also called: ADGRG4-related condition.

Allele frequency attached by ClinVar (database versions not stated): TOPMed 0.00003; gnomAD 0.00004; gnomAD exomes 0.00007.
gnomAD v4.1: 89 of 1,206,609 alleles (0.0074%); highest among the groups gnomAD compares: Middle Eastern, 0.046%; no homozygotes.

Submission:

PreventionGenetics, part of Exact Sciences
Classification: Likely benign for ADGRG4-related condition. Last evaluated: 2023-06-05. Review status: no assertion criteria provided. Collection method: clinical testing. Allele origin: germline.
Comment: This variant is classified as likely benign based on ACMG/AMP sequence variant interpretation guidelines (Richards et al. 2015 PMID: 25741868, with internal and published modifications).

NM_153834.4(ADGRG4):c.130A>C (p.Ser44Arg)

Gene: ADGRG4 (adhesion G protein-coupled receptor G4; plus strand). Cytogenetic location: Xq26.3.
Variant type: single nucleotide variant.
Coding change: c.130A>C on transcript NM_153834.4 (MANE Select); coding-DNA position 130, A replaced by C.
Protein change: p.Ser44Arg; replaces serine 44 with arginine.
Molecular consequence: missense variant.
Genome position (GRCh38, 1-based): chrX:136,322,837, A>C. VCF-style: chrX-136322837-A-C. GRCh37 (hg19) VCF-style: chrX-135404996-A-C.
Other names: short protein forms S44R.
Identifiers: ClinVar variation 3036705 (VCV003036705.2), dbSNP rs1395081404, ClinGen allele CA414612992.
Genomic context (GRCh38, chrX:136,322,837, plus strand): 5'-GATACACTTTCACTAAAAGGAAAAAAGCTGGATTTTTTTGGAAGAGGTGACACATATGTA[A>C]GCCTGATAGATACCATTCCTGAACTCAGCCGATTCACAGCATGCATTGATCTGGTATTCA-3'
Protein context (NP_722576.3, residues 34-54): DFFGRGDTYV[Ser44Arg]LIDTIPELSR